The following is an entry in ClinVar:

NM_016203.4(PRKAG2):c.1037T>A (p.Ile346Asn)

Gene: PRKAG2 (protein kinase AMP-activated non-catalytic subunit gamma 2; minus strand). Cytogenetic location: 7q36.1.
Variant type: single nucleotide variant.
Coding change: c.1037T>A on transcript NM_016203.4 (MANE Select); coding-DNA position 1037, T replaced by A.
Protein change: p.Ile346Asn; replaces isoleucine 346 with asparagine.
Molecular consequence: missense variant.
Genome position (GRCh38, 1-based): chr7:151,572,678, A>T on the plus strand (T>A on the coding strand, the complement: PRKAG2 is on the minus strand). VCF-style: chr7-151572678-A-T. GRCh37 (hg19) VCF-style: chr7-151269764-A-T.
Other names: c.665T>A, p.Ile222Asn (NM_001363698.2, NM_001407028.1); c.1037T>A, p.Ile346Asn (NM_001407021.1); c.1034T>A, p.Ile345Asn (NM_001407022.1, NM_001407023.1); c.905T>A, p.Ile302Asn (NM_001407024.1, NM_001040633.2); c.902T>A, p.Ile301Asn (NM_001407026.1, NM_001407027.1); c.662T>A, p.Ile221Asn (NM_001407029.1, NM_001304527.2); c.311T>A, p.Ile104Asn (NM_001407040.1, NM_001407036.1, NM_001407039.1); c.314T>A, p.Ile105Asn (NM_024429.2, NM_001304531.2, NM_001407034.1 and 1 more transcripts); and 6 more; short protein forms I104N, I105N, I121N, I125N, I221N, I222N, I238N, I240N.
Identifiers: ClinVar variation 4757915 (VCV004757915.1).

ClinVar aggregate classification (germline): Uncertain significance (1 of 4 stars; one submission).

Conditions:
Cardiomyopathy (CMYO). Also called: Cardiomyopathies. Identifiers: Orphanet 167848, MedGen C0878544, MONDO:0004994, HP:0001638. Inheritance: Various modes of inheritance.

Submission:

Color Diagnostics, LLC DBA Color Health
Classification: Uncertain significance for Cardiomyopathy. Last evaluated: 2025-09-08. Review status: criteria provided, single submitter. Criteria: ACMG Guidelines, 2015. Collection method: clinical testing. Allele origin: germline.
Comment: This missense variant replaces isoleucine with asparagine at codon 346 of the PRKAG2 protein. Computational prediction suggests that this variant may have deleterious impact on protein structure and function. To our knowledge, functional studies have not been reported for this variant. This variant has not been reported in individuals affected with PRKAG2-related disorders in the literature. This variant has not been identified in the general population by the Genome Aggregation Database (gnomAD). The available evidence is insufficient to determine the role of this variant in disease conclusively. Therefore, this variant is classified as a Variant of Uncertain Significance.